The following is an entry in ClinVar:

ClinVar aggregate classification (germline): Pathogenic. Review status: criteria provided, multiple submitters, no conflicts (2 of 4 stars). 8 submissions from 8 submitters: Pathogenic (7). 1 of the submissions does not count toward it. Last evaluated 2025-08-24.

Conditions:
Hereditary spastic paraplegia 31. Also called: SPASTIC PARAPLEGIA 31, AUTOSOMAL DOMINANT. Identifiers: Orphanet 101011, MedGen C1853247, MONDO:0012453, OMIM 610250.
Hereditary spastic paraplegia. Also called: Familial spastic paraparesis. Identifiers: Orphanet 685, MedGen C0037773, MONDO:0019064. Disease mechanism: loss of function.

Submissions (8):

Labcorp Genetics (formerly Invitae), Labcorp
Classification: Pathogenic for Hereditary spastic paraplegia 31. Last evaluated: 2025-08-24. Review status: criteria provided, single submitter. Criteria: Invitae Variant Classification Sherloc (09022015). Collection method: clinical testing. Allele origin: germline.
Comment: This sequence change creates a premature translational stop signal (p.Arg113*) in the REEP1 gene. It is expected to result in an absent or disrupted protein product. Loss-of-function variants in REEP1 are known to be pathogenic (PMID: 18321925, 18644145, 32655478). This variant is not present in population databases (gnomAD no frequency). This premature translational stop signal has been observed in individuals with hereditary spastic paraplegia (PMID: 19034539, 23400676, 29629531). It has also been observed to segregate with disease in related individuals. ClinVar contains an entry for this variant (Variation ID: 1863). For these reasons, this variant has been classified as Pathogenic.

Athena Diagnostics
Classification: Pathogenic. Last evaluated: 2024-07-09. Review status: criteria provided, single submitter. Criteria: Athena Diagnostics Criteria. Collection method: clinical testing. Allele origin: unknown.
Comment: This variant has not been reported in large, multi-ethnic general populations. This variant has been identified individuals with clinical features of hereditary spastic paraplegia and associates with disease in multiple families. This variant is not expected to cause loss of protein expression through nonsense-mediated decay. However, it disrupts a substantial portion of the protein, and therefore, is expected to disrupt its function. Assessment of experimental evidence suggests this variant results in abnormal protein function. (PMID: 20200447)

Genomic Medicine Center of Excellence, King Faisal Specialist Hospital and Research Centre
Classification: Pathogenic for Hereditary spastic paraplegia 31. Last evaluated: 2024-03-29. Review status: criteria provided, single submitter. Criteria: ACMG Guidelines, 2015. Collection method: clinical testing. Allele origin: germline.

Neuberg Centre For Genomic Medicine, NCGM
Classification: Pathogenic for Hereditary spastic paraplegia 31. Last evaluated: 2023-06-22. Review status: criteria provided, single submitter. Criteria: ACMG Guidelines, 2015. Collection method: clinical testing. Allele origin: germline. Inheritance: Autosomal dominant inheritance. Affected: yes.
Comment: The stop gained c.337C>T (p.Arg113Ter) variant in REEP1 gene has been observed in heterozygous state in multiple individuals with hereditary spastic paraplegia (Park et. al., 2018; Loureiro et. al., 2013; Hewamadduma et. al., 2009). It has also been observed to segregate with disease in related individuals. The p.Arg113Ter variant is absent in gnomAD exomes database. This variant has been submitted to the ClinVar database as Pathogenic (multiple submitters). Computational evidence (MutationTaster - disease causing) predict a damaging effect on protein structure and function for this variant. The reference amino acid at this position on REEP1 gene is predicted as conserved by GERP++ and PhyloP across 100 vertebrates. This sequence change creates a premature translational stop signal (p.Arg113*) in the REEP1 gene. It is expected to result in an absent or disrupted protein product. Loss-offunction variants in REEP1 are known to be pathogenic (Beetz C,et. al., 2012). For these reasons, this variant has been classified as Pathogenic.

Neurometabolic Diseases Laboratory, Bellvitge Biomedical Research Institute (IDIBELL)
Classification: Pathogenic for Hereditary spastic paraplegia 31. Last evaluated: 2023-04-27. Review status: criteria provided, single submitter. Criteria: ACMG Guidelines, 2015. Collection method: research. Allele origin: germline. Affected: yes.

GeneDx
Classification: Pathogenic. Last evaluated: 2022-05-07. Review status: criteria provided, single submitter. Criteria: GeneDx Variant Classification Process June 2021. Collection method: clinical testing. Allele origin: germline. Affected: yes.
Comment: Nonsense variant predicted to result in protein truncation or nonsense mediated decay in a gene for which loss-of-function is a known mechanism of disease; Not observed at significant frequency in large population cohorts (gnomAD); This variant is associated with the following publications: (PMID: 22703882, 21618648, 24221643, 25525159, 19034539, 30637453, 23400676, 28003645, 27549087, 24098485, 12634509, 29629531, 33866115, 35297556, 35132160, 31913854, 20200447)

Genome Diagnostics Laboratory, The Hospital for Sick Children
Classification: Pathogenic for Hereditary spastic paraplegia. Last evaluated: 2016-12-12. Review status: criteria provided, single submitter. Criteria: ACMG Guidelines, 2015. Collection method: clinical testing. Allele origin: germline. Affected: yes.

OMIM
Classification: Pathogenic for SPASTIC PARAPLEGIA 31, AUTOSOMAL DOMINANT. Last evaluated: 2012-07-13. Review status: no assertion criteria provided. Collection method: literature only. Allele origin: germline. Not counted in ClinVar's aggregate classification.

Literature cited by the submitters: PubMed 18321925 (cited by Labcorp Genetics (formerly Invitae), Labcorp); PubMed 18644145 (cited by Labcorp Genetics (formerly Invitae), Labcorp); PubMed 32655478 (cited by Labcorp Genetics (formerly Invitae), Labcorp); PubMed 19034539 (cited by 3 submitters); PubMed 23400676 (cited by Labcorp Genetics (formerly Invitae), Labcorp); PubMed 29629531 (cited by Labcorp Genetics (formerly Invitae), Labcorp); PubMed 30637453 (cited by Athena Diagnostics and OMIM); PubMed 20200447 (cited by Athena Diagnostics); PubMed 22703882 (cited by OMIM).

NM_001371279.1(REEP1):c.337C>T (p.Arg113Ter)

Gene: REEP1 (receptor accessory protein 1; minus strand). Cytogenetic location: 2p11.2.
Variant type: single nucleotide variant.
Coding change: c.337C>T on transcript NM_001371279.1 (MANE Select); coding-DNA position 337, C replaced by T.
Protein change: p.Arg113Ter; replaces arginine 113 with a stop codon.
Molecular consequence: nonsense. On other transcripts: intron variant (1).
Genome position (GRCh38, 1-based): chr2:86,252,037, G>A on the plus strand (C>T on the coding strand, the complement: REEP1 is on the minus strand). VCF-style: chr2-86252037-G-A. GRCh37 (hg19) VCF-style: chr2-86479160-G-A.
Other names: c.358C>T, p.Arg120Ter (NM_001164730.2); c.256C>T, p.Arg86Ter (NM_001164731.2); c.337C>T, p.Arg113Ter (NM_001371280.1, NM_022912.3); c.182+11928C>T (NM_001164732.2); short protein forms R113*, R120*, R86*.
Identifiers: ClinVar variation 1863 (VCV000001863.45), dbSNP rs121918263, ClinGen allele CA115251.